The following is an entry in ClinVar:

ClinVar aggregate classification (germline): Likely pathogenic. Review status: criteria provided, multiple submitters, no conflicts (2 of 4 stars). 4 submissions from 4 submitters: Likely pathogenic (4). Last evaluated 2024-05-06.

Conditions:
Cohen syndrome (COH1). Also called: PEPPER SYNDROME; Cutis verticis gyrata, retinitis pigmentosa, and sensorineural deafness. Identifiers: Orphanet 193, MedGen C0265223, MONDO:0008999, OMIM 216550.

gnomAD v4.1: 1 of 1,613,202 alleles (0.000062%); no homozygotes.

Submissions (4):

Natera, Inc.
Classification: Likely pathogenic for Cohen syndrome. Last evaluated: 2024-05-06. Review status: criteria provided, single submitter. Criteria: Natera Variant Classification Schema (03/2026). Collection method: clinical testing. Allele origin: germline.
Comment: The c.3083-1G>A variant in VPS13B is a canonical splice acceptor site variant predicted to affect pre-mRNA splicing, which may result in an abnormal transcript and altered protein product. This variant is expected to result in nonsense mediated decay, truncation, or a dysfunctional protein product. This variant is rare in the general population with a frequency below the threshold expected for the associated phenotype(s). Given the available evidence, this variant is classified as Likely Pathogenic.

Labcorp Genetics (formerly Invitae), Labcorp
Classification: Likely pathogenic for Cohen syndrome. Last evaluated: 2023-09-10. Review status: criteria provided, single submitter. Criteria: Invitae Variant Classification Sherloc (09022015). Collection method: clinical testing. Allele origin: germline.
Comment: This sequence change affects an acceptor splice site in intron 21 of the VPS13B gene. It is expected to disrupt RNA splicing. Variants that disrupt the donor or acceptor splice site typically lead to a loss of protein function (PMID: 16199547), and loss-of-function variants in VPS13B are known to be pathogenic (PMID: 15141358, 16648375, 20461111). This variant is not present in population databases (gnomAD no frequency). This variant has not been reported in the literature in individuals affected with VPS13B-related conditions. ClinVar contains an entry for this variant (Variation ID: 585718). Algorithms developed to predict the effect of sequence changes on RNA splicing suggest that this variant may disrupt the consensus splice site. In summary, the currently available evidence indicates that the variant is pathogenic, but additional data are needed to prove that conclusively. Therefore, this variant has been classified as Likely Pathogenic.

Fulgent Genetics
Classification: Likely pathogenic for Cohen syndrome. Last evaluated: 2022-02-14. Review status: criteria provided, single submitter. Criteria: ACMG Guidelines, 2015. Collection method: clinical testing. Allele origin: unknown.

Athena Diagnostics
Classification: Likely pathogenic. Last evaluated: 2018-03-02. Review status: criteria provided, single submitter. Criteria: Athena Diagnostics Criteria. Collection method: clinical testing. Allele origin: germline.

Literature cited by the submitters: PubMed 16199547 (cited by Labcorp Genetics (formerly Invitae), Labcorp); PubMed 15141358 (cited by Labcorp Genetics (formerly Invitae), Labcorp); PubMed 16648375 (cited by Labcorp Genetics (formerly Invitae), Labcorp); PubMed 20461111 (cited by Labcorp Genetics (formerly Invitae), Labcorp).

NM_152564.5(VPS13B):c.3083-1G>A

Gene: VPS13B (vacuolar protein sorting 13 homolog B; plus strand). Cytogenetic location: 8q22.2.
Variant type: single nucleotide variant.
Coding change: c.3083-1G>A on transcript NM_152564.5 (MANE Select); the canonical splice acceptor site of the intron before coding-DNA position 3083, G replaced by A.
Molecular consequence: splice acceptor variant.
Genome position (GRCh38, 1-based): chr8:99,431,536, G>A. VCF-style: chr8-99431536-G-A. GRCh37 (hg19) VCF-style: chr8-100443764-G-A.
Other names: c.3083-1G>A (NM_017890.5).
Identifiers: ClinVar variation 585718 (VCV000585718.9), dbSNP rs1563726973, ClinGen allele CA371867990.